The following is an entry in ClinVar:

NM_001321120.2(TBX4):c.*99T>A

Gene: TBX4 (T-box transcription factor 4; plus strand). Cytogenetic location: 17q23.2.
Variant type: single nucleotide variant.
Coding change: c.*99T>A on transcript NM_001321120.2 (MANE Select); 99 bases downstream of the stop codon, T replaced by A.
Molecular consequence: 3 prime UTR variant.
Genome position (GRCh38, 1-based): chr17:61,483,615, T>A. VCF-style: chr17-61483615-T-A. GRCh37 (hg19) VCF-style: chr17-59560976-T-A.
Other names: c.*99T>A (LRG_1206t1, NM_018488.3).
Identifiers: ClinVar variation 324274 (VCV000324274.5), dbSNP rs79894176, ClinGen allele CA10649697.

ClinVar aggregate classification (germline): Benign (1 of 4 stars; one submission).

Conditions:
Coxopodopatellar syndrome. Also called: ISCHIOPATELLAR DYSPLASIA; SCOTT-TAOR SYNDROME; Small patella syndrome; ISCHIOCOXOPODOPATELLAR SYNDROME; PATELLA APLASIA, COXA VARA, AND TARSAL SYNOSTOSIS; Congenital coxa vara, patella aplasia and tarsal synostosis. Identifiers: Orphanet 1509, MedGen C1840061, MONDO:0007841, OMIM 147891.

Allele frequency attached by ClinVar (database versions not stated): 1000 Genomes Project 0.00479; gnomAD 0.00519 and 0.00557; TOPMed 0.00536; gnomAD exomes 0.00098.
gnomAD v4.1: 1,144 of 555,520 alleles (0.21%); highest among the groups gnomAD compares: African/African-American, 2.2%; 5 homozygotes.

Submission:

Illumina Laboratory Services, Illumina
Classification: Benign for Coxopodopatellar syndrome. Last evaluated: 2018-01-12. Review status: criteria provided, single submitter. Criteria: ICSL Variant Classification Criteria 13 December 2019. Collection method: clinical testing. Allele origin: germline.
Comment: This variant was observed in the ICSL laboratory as part of a predisposition screen in an ostensibly healthy population. It had not been previously curated by ICSL or reported in the Human Gene Mutation Database (HGMD: prior to June 1st, 2018), and was therefore a candidate for classification through an automated scoring system. Utilizing variant allele frequency, disease prevalence and penetrance estimates, and inheritance mode, an automated score was calculated to assess if this variant is too frequent to cause the disease. Based on the score and internal cut-off values, a variant classified as benign is not then subjected to further curation. The score for this variant resulted in a classification of benign for this disease.